The following is an entry in ClinVar:

ClinVar aggregate classification (germline): Uncertain significance (1 of 4 stars; one submission).

Conditions:
Cardiovascular phenotype. Identifiers: MedGen CN230736.

gnomAD v4.1: 1 of 1,614,116 alleles (0.000062%); highest among the groups gnomAD compares: Admixed American, 0.0017%; no homozygotes.

Submission:

Ambry Genetics
Classification: Uncertain significance for Cardiovascular phenotype. Last evaluated: 2023-12-07. Review status: criteria provided, single submitter. Criteria: Ambry Variant Classification Scheme 2023. Collection method: clinical testing. Allele origin: germline.
Comment: The p.M2526R variant (also known as c.7577T>G), located in coding exon 26 of the APOB gene, results from a T to G substitution at nucleotide position 7577. The methionine at codon 2526 is replaced by arginine, an amino acid with similar properties. This amino acid position is conserved. In addition, this alteration is predicted to be tolerated by in silico analysis. Since supporting evidence is limited at this time, the clinical significance of this alteration remains unclear.

NM_000384.3(APOB):c.7577T>G (p.Met2526Arg)

Gene: APOB (apolipoprotein B; minus strand). Cytogenetic location: 2p24.1.
Variant type: single nucleotide variant.
Coding change: c.7577T>G on transcript NM_000384.3 (MANE Select); coding-DNA position 7577, T replaced by G.
Protein change: p.Met2526Arg; replaces methionine 2526 with arginine.
Molecular consequence: missense variant.
Genome position (GRCh38, 1-based): chr2:21,009,291, A>C on the plus strand (T>G on the coding strand, the complement: APOB is on the minus strand). VCF-style: chr2-21009291-A-C. GRCh37 (hg19) VCF-style: chr2-21232163-A-C.
Other names: short protein forms M2526R.
Identifiers: ClinVar variation 3231453 (VCV003231453.1), dbSNP rs373272476, ClinGen allele CA345996852.